The following is an entry in ClinVar:

NM_052947.4(ALPK2):c.3121C>T (p.Pro1041Ser)

Gene: ALPK2 (alpha kinase 2; minus strand). Cytogenetic location: 18q21.31.
Variant type: single nucleotide variant.
Coding change: c.3121C>T on transcript NM_052947.4 (MANE Select); coding-DNA position 3121, C replaced by T.
Protein change: p.Pro1041Ser; replaces proline 1041 with serine.
Molecular consequence: missense variant.
Genome position (GRCh38, 1-based): chr18:58,537,066, G>A on the plus strand (C>T on the coding strand, the complement: ALPK2 is on the minus strand). VCF-style: chr18-58537066-G-A. GRCh37 (hg19) VCF-style: chr18-56204298-G-A.
Other names: short protein forms P1041S.
Identifiers: ClinVar variation 1727871 (VCV001727871.2), dbSNP rs1049956314, ClinGen allele CA300927279.
Genomic context (GRCh38, chr18:58,537,066, plus strand): 5'-AAATATGATCCAACTGCACTTGGGAAGGAAATTGGGAAACCTTTTCATGGGATGCACGAG[G>A]GAACCTCTCCTCAGTGCCACCTGCATGCTTGTCCTCAGGAATTGACACAGCAAGGTATTT-3'
Protein context (NP_443179.3, residues 1031-1051): KHAGGTEERF[Pro1041Ser]RASHEKVSQF

ClinVar aggregate classification (germline): Uncertain significance (1 of 4 stars; one submission).

Allele frequency attached by ClinVar (database versions not stated): gnomAD 0.00001; TOPMed 0.00002.
gnomAD v4.1: 1 of 1,614,062 alleles (0.000062%); highest among the groups gnomAD compares: African/African-American, 0.0013%; no homozygotes.

Submission:

Ambry Genetics
Classification: Uncertain significance. Last evaluated: 2023-09-28. Review status: criteria provided, single submitter. Criteria: Ambry Variant Classification Scheme 2023. Collection method: clinical testing. Allele origin: germline.
Comment: The p.P1041S variant (also known as c.3121C>T), located in coding exon 4 of the ALPK2 gene, results from a C to T substitution at nucleotide position 3121. The proline at codon 1041 is replaced by serine, an amino acid with similar properties. This amino acid position is conserved. In addition, this alteration is predicted to be tolerated by in silico analysis. Since supporting evidence is limited at this time, the clinical significance of this alteration remains unclear.